The following is an entry in ClinVar:

NM_001040436.3(YARS2):c.330_331del (p.Leu111fs)

Gene: YARS2 (tyrosyl-tRNA synthetase 2; minus strand). Cytogenetic location: 12p11.21.
Variant type: Microsatellite.
Coding change: c.330_331del on transcript NM_001040436.3 (MANE Select); coding-DNA positions 330 to 331, 2 bases deleted (GC; older notation c.330_331delGC).
Protein change: p.Leu111fs; shifts the reading frame from leucine 111.
Molecular consequence: frameshift variant.
Genome position (GRCh38, 1-based): chr12:32,755,544-32,755,545, GC deleted on the plus strand (GC on the coding strand, the reverse complement: YARS2 is on the minus strand); deleting any 2 consecutive bases within chr12:32,755,544-32,755,548 gives the same sequence; the c. name uses the placement nearest the transcript's 3' end. VCF-style (leftmost placement, unchanged base first): chr12-32755543-AGC-A. GRCh37 (hg19) VCF-style: chr12-32908477-AGC-A.
Other names: short protein forms L111fs.
Identifiers: ClinVar variation 2017077 (VCV002017077.4), dbSNP rs2541164317, ClinGen allele CA2580615156.

ClinVar aggregate classification (germline): Pathogenic (1 of 4 stars; one submission).

Submission:

Labcorp Genetics (formerly Invitae), Labcorp
Classification: Pathogenic. Last evaluated: 2022-07-14. Review status: criteria provided, single submitter. Criteria: Invitae Variant Classification Sherloc (09022015). Collection method: clinical testing. Allele origin: germline.
Comment: For these reasons, this variant has been classified as Pathogenic. This variant has not been reported in the literature in individuals affected with YARS2-related conditions. This variant is not present in population databases (gnomAD no frequency). This sequence change creates a premature translational stop signal (p.Leu111Glyfs*38) in the YARS2 gene. It is expected to result in an absent or disrupted protein product. Loss-of-function variants in YARS2 are known to be pathogenic (PMID: 20598274, 24344687, 25638461).

Literature cited by the submitters: PubMed 20598274; PubMed 24344687; PubMed 25638461.